The following is an entry in ClinVar:

NM_032608.7(MYO18B):c.6691C>T (p.Arg2231Trp)

Gene: MYO18B (myosin XVIIIB; plus strand). Cytogenetic location: 22q12.1.
Variant type: single nucleotide variant.
Coding change: c.6691C>T on transcript NM_032608.7 (MANE Select); coding-DNA position 6691, C replaced by T.
Protein change: p.Arg2231Trp; replaces arginine 2231 with tryptophan.
Molecular consequence: missense variant.
Genome position (GRCh38, 1-based): chr22:26,026,665, C>T. VCF-style: chr22-26026665-C-T. GRCh37 (hg19) VCF-style: chr22-26422631-C-T.
Other names: c.6694C>T, p.Arg2232Trp (NM_001318245.2); short protein forms R2231W, R2232W.
Identifiers: ClinVar variation 1933227 (VCV001933227.5), dbSNP rs561391783, ClinGen allele CA10161590.

ClinVar aggregate classification (germline): Uncertain significance (1 of 4 stars; one submission).

Allele frequency attached by ClinVar (database versions not stated): 1000 Genomes Project 0.00040; ExAC 0.00001; TOPMed 0.00001; gnomAD 0.00002; gnomAD exomes 0.00002; 1000 Genomes Project 30x 0.00031.
gnomAD v4.1: 36 of 1,613,838 alleles (0.0022%); highest among the groups gnomAD compares: Middle Eastern, 0.016%; no homozygotes.

Submission:

Labcorp Genetics (formerly Invitae), Labcorp
Classification: Uncertain significance. Last evaluated: 2022-07-17. Review status: criteria provided, single submitter. Criteria: Invitae Variant Classification Sherloc (09022015). Collection method: clinical testing. Allele origin: germline.
Comment: This variant is present in population databases (rs561391783, gnomAD 0.006%). This sequence change replaces arginine, which is basic and polar, with tryptophan, which is neutral and slightly polar, at codon 2231 of the MYO18B protein (p.Arg2231Trp). This variant has not been reported in the literature in individuals affected with MYO18B-related conditions. Algorithms developed to predict the effect of missense changes on protein structure and function output the following: SIFT: "Not Available"; PolyPhen-2: "Benign"; Align-GVGD: "Not Available". The tryptophan amino acid residue is found in multiple mammalian species, which suggests that this missense change does not adversely affect protein function. In summary, the available evidence is currently insufficient to determine the role of this variant in disease. Therefore, it has been classified as a Variant of Uncertain Significance.